The following is an entry in ClinVar:

ClinVar aggregate classification (germline): Uncertain significance (1 of 4 stars; one submission).

Conditions:
Geleophysic dysplasia 2 (GPHYSD2). Identifiers: Orphanet 2623, MedGen C3280054, MONDO:0013612, OMIM 614185.
Acromicric dysplasia (ACMICD). Also called: Acromicric skeletal dysplasia. Identifiers: Orphanet 969, MedGen C0265287, MONDO:0007055, OMIM 102370.
Weill-Marchesani syndrome 2, dominant. Also called: FBN1-Related Weill-Marchesani Syndrome; Weill-Marchesani Syndrome, Autosomal Dominant. Identifiers: Orphanet 2084, MedGen C1869115, MONDO:0012013, OMIM 608328.
Marfan syndrome (MFS). Also called: Marfan syndrome type 1; Marfan's syndrome; FBN1-Related Marfan Syndrome; MARFAN SYNDROME, TYPE I; Marfan syndrome, classic. Identifiers: Orphanet 284963, Orphanet 558, MedGen C0024796, MONDO:0007947, OMIM 154700.
Ectopia lentis 1, isolated, autosomal dominant (ECTOL1). Identifiers: Orphanet 1885, MedGen C3541518, MONDO:0007514, OMIM 129600.
Progeroid and marfanoid aspect-lipodystrophy syndrome. Also called: MARFANOID-PROGEROID-LIPODYSTROPHY SYNDROME; MARFANOID-PROGEROID SYNDROME; MARFAN-PROGEROID-LIPODYSTROPHY SYNDROME; Marfan lipodystrophy syndrome. Identifiers: Orphanet 300382, MedGen C4310796, MONDO:0014831, OMIM 616914.
Familial thoracic aortic aneurysm and aortic dissection (TAAD). Also called: Thoracic aortic aneurysms and dissections. Identifiers: Orphanet 91387, MedGen C4707243, MONDO:0019625.

Allele frequency attached by ClinVar (database versions not stated): gnomAD exomes below 0.00001; TOPMed below 0.00001; gnomAD 0.00001.
gnomAD v4.1: 6 of 1,613,976 alleles (0.00037%); highest among the groups gnomAD compares: Non-Finnish European, 0.00051%; no homozygotes.

Submission:

Labcorp Genetics (formerly Invitae), Labcorp
Classification: Uncertain significance for Marfan syndrome; Familial thoracic aortic aneurysm and aortic dissection. Last evaluated: 2020-12-26. Review status: criteria provided, single submitter. Criteria: Invitae Variant Classification Sherloc (09022015). Collection method: clinical testing. Allele origin: germline.
Comment: In summary, the available evidence is currently insufficient to determine the role of this variant in disease. Therefore, it has been classified as a Variant of Uncertain Significance. Algorithms developed to predict the effect of missense changes on protein structure and function are either unavailable or do not agree on the potential impact of this missense change (SIFT: "Deleterious"; PolyPhen-2: "Benign"; Align-GVGD: "Class C0"). This variant has not been reported in the literature in individuals with FBN1-related conditions. This variant is not present in population databases (ExAC no frequency). This sequence change replaces isoleucine with methionine at codon 2806 of the FBN1 protein (p.Ile2806Met). The isoleucine residue is highly conserved and there is a small physicochemical difference between isoleucine and methionine.

NM_000138.5(FBN1):c.8418C>G (p.Ile2806Met)

Gene: FBN1 (fibrillin 1; minus strand). Cytogenetic location: 15q21.1.
Variant type: single nucleotide variant.
Coding change: c.8418C>G on transcript NM_000138.5 (MANE Select); coding-DNA position 8418, C replaced by G.
Protein change: p.Ile2806Met; replaces isoleucine 2806 with methionine.
Molecular consequence: missense variant.
Genome position (GRCh38, 1-based): chr15:48,411,188, G>C on the plus strand (C>G on the coding strand, the complement: FBN1 is on the minus strand). VCF-style: chr15-48411188-G-C. GRCh37 (hg19) VCF-style: chr15-48703385-G-C.
Other names: c.8418C>G (NM_000138.4); short protein forms I2806M.
Identifiers: ClinVar variation 1409400 (VCV001409400.10), dbSNP rs1480715909, ClinGen allele CA392319118.
Genomic context (GRCh38, chr15:48,411,188, plus strand): 5'-GGTTCCAGCCACTGGCTTCTTCTTTGTGAAGTGGAGGTAGCTGATCCCTTCCTTTTGGTT[G>C]ATTTTAAAGAAGCCATCTTCATTTCCAGATTCGATCAAGTATCTGTTGTGATTCGTCAGA-3'
Protein context (NP_000129.3, residues 2796-2816): ESGNEDGFFK[Ile2806Met]NQKEGISYLH